The following is an entry in ClinVar:

ClinVar aggregate classification (germline): Likely pathogenic (1 of 4 stars; one submission).

Conditions:
Bardet-Biedl syndrome 2 (BBS2). Identifiers: Orphanet 110, MedGen C2936863, MONDO:0014432, OMIM 615981.

gnomAD v4.1: 2 of 1,613,816 alleles (0.00012%); highest among the groups gnomAD compares: African/African-American, 0.0027%; no homozygotes.

Submission:

Natera, Inc.
Classification: Likely pathogenic for Bardet-Biedl syndrome type 2. Last evaluated: 2024-12-02. Review status: criteria provided, single submitter. Criteria: Natera Variant Classification Schema (03/2026). Collection method: clinical testing. Allele origin: germline.
Comment: The c.1944T>G variant in BBS2 is a nonsense variant predicted to introduce a stop codon at amino acid 648. This variant is expected to result in nonsense mediated decay, truncation, or a dysfunctional protein product. This variant is rare in the general population with a frequency below the threshold expected for the associated phenotype(s). Given the available evidence, this variant is classified as Likely Pathogenic.

NM_031885.5(BBS2):c.1944T>G (p.Tyr648Ter)

Gene: BBS2 (Bardet-Biedl syndrome 2; minus strand). Cytogenetic location: 16q13.
Variant type: single nucleotide variant.
Coding change: c.1944T>G on transcript NM_031885.5 (MANE Select); coding-DNA position 1944, T replaced by G.
Protein change: p.Tyr648Ter; replaces tyrosine 648 with a stop codon.
Molecular consequence: nonsense. On other transcripts: non-coding transcript variant (5).
Genome position (GRCh38, 1-based): chr16:56,485,705, A>C on the plus strand (T>G on the coding strand, the complement: BBS2 is on the minus strand). VCF-style: chr16-56485705-A-C. GRCh37 (hg19) VCF-style: chr16-56519617-A-C.
Other names: c.1944T>G, p.Tyr648Ter (NM_001377456.1); short protein forms Y648*.
Identifiers: ClinVar variation 4816286 (VCV004816286.1).